The following is an entry in ClinVar:

ClinVar aggregate classification (germline): Uncertain significance (1 of 4 stars; one submission).

Conditions:
Hereditary cancer-predisposing syndrome. Also called: Neoplastic Syndromes, Hereditary; Tumor predisposition; Hereditary neoplastic syndrome; Hereditary Cancer Syndrome. Identifiers: Orphanet 140162, MedGen C0027672, MeSH D009386, MONDO:0015356.

Submission:

Ambry Genetics
Classification: Uncertain significance for Hereditary cancer-predisposing syndrome. Last evaluated: 2026-07-06. Review status: criteria provided, single submitter. Criteria: Ambry Variant Classification Scheme 2023. Collection method: clinical testing. Allele origin: germline.
Comment: The p.E1277Q variant (also known as c.3829G>C), located in coding exon 19 of the BLM gene, results from a G to C substitution at nucleotide position 3829. The glutamic acid at codon 1277 is replaced by glutamine, an amino acid with highly similar properties. This amino acid position is conserved. In addition, the in silico prediction for this alteration is inconclusive. Based on the available evidence, the clinical significance of this variant remains unclear.

NM_000057.4(BLM):c.3829G>C (p.Glu1277Gln)

Gene: BLM (BLM RecQ like helicase; plus strand). Cytogenetic location: 15q26.1.
Variant type: single nucleotide variant.
Coding change: c.3829G>C on transcript NM_000057.4 (MANE Select); coding-DNA position 3829, G replaced by C.
Protein change: p.Glu1277Gln; replaces glutamic acid 1277 with glutamine.
Molecular consequence: missense variant.
Genome position (GRCh38, 1-based): chr15:90,809,214, G>C. VCF-style: chr15-90809214-G-C. GRCh37 (hg19) VCF-style: chr15-91352444-G-C.
Other names: c.3829G>C, p.Glu1277Gln (NM_001287246.2); c.3436G>C, p.Glu1146Gln (NM_001287247.2); c.2704G>C, p.Glu902Gln (NM_001287248.2); short protein forms E902Q, E1146Q, E1277Q.
Identifiers: ClinVar variation 5032890 (VCV005032890.1).